The following is an entry in ClinVar:

NM_000059.4(BRCA2):c.7517A>G (p.Gln2506Arg)

Gene: BRCA2 (BRCA2 DNA repair associated; plus strand). Cytogenetic location: 13q13.1.
Variant type: single nucleotide variant.
Coding change: c.7517A>G on transcript NM_000059.4 (MANE Select); coding-DNA position 7517, A replaced by G.
Protein change: p.Gln2506Arg; replaces glutamine 2506 with arginine.
Molecular consequence: missense variant.
Genome position (GRCh38, 1-based): chr13:32,356,509, A>G. VCF-style: chr13-32356509-A-G. GRCh37 (hg19) VCF-style: chr13-32930646-A-G.
Other names: short protein forms Q2506R.
Identifiers: ClinVar variation 1051262 (VCV001051262.9), dbSNP rs2137562461, ClinGen allele CA387743511.

ClinVar aggregate classification (germline): Uncertain significance (1 of 4 stars; one submission).

Conditions:
Hereditary breast ovarian cancer syndrome. Also called: Hereditary breast and ovarian cancer syndrome; Hereditary breast and ovarian cancer; Hereditary breast and ovarian cancer syndrome (HBOC); BRCA1- and BRCA2-Associated Hereditary Breast and Ovarian Cancer; Hereditary breast and/or ovarian cancer syndrome; Breast and ovarian cancer. Identifiers: Orphanet 145, MedGen C0677776, MeSH D061325, MONDO:0003582. Disease mechanism: loss of function.

Submission:

Labcorp Genetics (formerly Invitae), Labcorp
Classification: Uncertain significance for Hereditary breast ovarian cancer syndrome. Last evaluated: 2022-02-18. Review status: criteria provided, single submitter. Criteria: Invitae Variant Classification Sherloc (09022015). Collection method: clinical testing. Allele origin: germline.
Comment: This variant has not been reported in the literature in individuals affected with BRCA2-related conditions. This sequence change replaces glutamine, which is neutral and polar, with arginine, which is basic and polar, at codon 2506 of the BRCA2 protein (p.Gln2506Arg). This variant is not present in population databases (gnomAD no frequency). ClinVar contains an entry for this variant (Variation ID: 1051262). Advanced modeling of protein sequence and biophysical properties (such as structural, functional, and spatial information, amino acid conservation, physicochemical variation, residue mobility, and thermodynamic stability) performed at Invitae indicates that this missense variant is not expected to disrupt BRCA2 protein function. Algorithms developed to predict the effect of sequence changes on RNA splicing suggest that this variant may disrupt the consensus splice site. In summary, the available evidence is currently insufficient to determine the role of this variant in disease. Therefore, it has been classified as a Variant of Uncertain Significance.